The following is an entry in ClinVar:

ClinVar aggregate classification (germline): Uncertain significance (1 of 4 stars; one submission).

Conditions:
Muscular dystrophy-dystroglycanopathy (congenital with brain and eye anomalies), type A13. Also called: WALKER-WARBURG SYNDROME OR MUSCLE-EYE-BRAIN DISEASE, B3GNT1-RELATED; Muscular dystrophy-dystroglycanopathy (congenital with brain and eye anomalies), type a, 13. Identifiers: Orphanet 899, MedGen C3809042, MONDO:0014120, OMIM 615287.

Allele frequency attached by ClinVar (database versions not stated): gnomAD 0.00001; gnomAD exomes 0.00001; TOPMed 0.00001; ExAC 0.00004.

Submission:

Labcorp Genetics (formerly Invitae), Labcorp
Classification: Uncertain significance for Muscular dystrophy-dystroglycanopathy (congenital with brain and eye anomalies), type A13. Last evaluated: 2022-10-04. Review status: criteria provided, single submitter. Criteria: Invitae Variant Classification Sherloc (09022015). Collection method: clinical testing. Allele origin: germline.
Comment: This sequence change creates a premature translational stop signal (p.Gln13*) in the B4GAT1 gene. It is expected to result in an absent or disrupted protein product. However, the current clinical and genetic evidence is not sufficient to establish whether loss-of-function variants in B4GAT1 cause disease. The frequency data for this variant in the population databases is considered unreliable, as metrics indicate poor data quality at this position in the gnomAD database. This premature translational stop signal has been observed in individual(s) with clinical features of B4GAT1-related conditions (Invitae). ClinVar contains an entry for this variant (Variation ID: 567512). In summary, the available evidence is currently insufficient to determine the role of this variant in disease. Therefore, it has been classified as a Variant of Uncertain Significance.

NM_006876.3(B4GAT1):c.37C>T (p.Gln13Ter)

Gene: B4GAT1 (beta-1,4-glucuronyltransferase 1; minus strand). Cytogenetic location: 11q13.2.
Variant type: single nucleotide variant.
Coding change: c.37C>T on transcript NM_006876.3 (MANE Select); coding-DNA position 37, C replaced by T.
Protein change: p.Gln13Ter; replaces glutamine 13 with a stop codon.
Molecular consequence: nonsense.
Genome position (GRCh38, 1-based): chr11:66,347,509, G>A on the plus strand (C>T on the coding strand, the complement: B4GAT1 is on the minus strand). VCF-style: chr11-66347509-G-A. GRCh37 (hg19) VCF-style: chr11-66114980-G-A.
Other names: short protein forms Q13*.
Identifiers: ClinVar variation 567512 (VCV000567512.6), dbSNP rs767082700, ClinGen allele CA6120613.